The following is an entry in ClinVar:

NM_176787.5(PIGN):c.1172+1G>A

Gene: PIGN (phosphatidylinositol glycan anchor biosynthesis class N; minus strand). Cytogenetic location: 18q21.33.
Variant type: single nucleotide variant.
Coding change: c.1172+1G>A on transcript NM_176787.5 (MANE Select); the canonical splice donor site of the intron after coding-DNA position 1172, G replaced by A.
Molecular consequence: splice donor variant.
Genome position (GRCh38, 1-based): chr18:62,138,242, C>T on the plus strand (G>A on the coding strand, the complement: PIGN is on the minus strand). VCF-style: chr18-62138242-C-T. GRCh37 (hg19) VCF-style: chr18-59805475-C-T.
Other names: c.1172+1G>A (NM_012327.6).
Identifiers: ClinVar variation 2972896 (VCV002972896.3), dbSNP rs2036006618, ClinGen allele CA402607545.

ClinVar aggregate classification (germline): Pathogenic (1 of 4 stars; one submission).

Conditions:
Multiple congenital anomalies-hypotonia-seizures syndrome 1 (MCAHS1). Also called: GLYCOSYLPHOSPHATIDYLINOSITOL BIOSYNTHESIS DEFECT 3; PIGN-CDG; Congenital disorder of glycosylation due to PIGN deficiency. Identifiers: Orphanet 280633, MedGen C3279775, MONDO:0013563, OMIM 614080.

Submission:

Labcorp Genetics (formerly Invitae), Labcorp
Classification: Pathogenic for Multiple congenital anomalies-hypotonia-seizures syndrome 1. Last evaluated: 2023-11-18. Review status: criteria provided, single submitter. Criteria: Invitae Variant Classification Sherloc (09022015). Collection method: clinical testing. Allele origin: germline.
Comment: This sequence change affects a donor splice site in intron 14 of the PIGN gene. It is expected to disrupt RNA splicing. Variants that disrupt the donor or acceptor splice site typically lead to a loss of protein function (PMID: 16199547), and loss-of-function variants in PIGN are known to be pathogenic (PMID: 24253414, 27038415). This variant is not present in population databases (gnomAD no frequency). Disruption of this splice site has been observed in individual(s) with clinical features of autosomal recessive PIGN-congenital disorder of glycosylation (PMID: 32220244). In at least one individual the data is consistent with being in trans (on the opposite chromosome) from a pathogenic variant. For these reasons, this variant has been classified as Pathogenic.

Literature cited by the submitters: PubMed 16199547; PubMed 24253414; PubMed 27038415; PubMed 32220244.